The following is an entry in ClinVar:

NM_006516.4(SLC2A1):c.985G>A (p.Glu329Lys)

Gene: SLC2A1 (solute carrier family 2 member 1; minus strand). Cytogenetic location: 1p34.2.
Variant type: single nucleotide variant.
Coding change: c.985G>A on transcript NM_006516.4 (MANE Select); coding-DNA position 985, G replaced by A.
Protein change: p.Glu329Lys; replaces glutamic acid 329 with lysine.
Molecular consequence: missense variant.
Genome position (GRCh38, 1-based): chr1:42,929,021, C>T on the plus strand (G>A on the coding strand, the complement: SLC2A1 is on the minus strand). VCF-style: chr1-42929021-C-T. GRCh37 (hg19) VCF-style: chr1-43394692-C-T.
Other names: short protein forms E329K.
Identifiers: ClinVar variation 1027418 (VCV001027418.12), dbSNP rs2124448063, ClinGen allele CA339956097.

ClinVar aggregate classification (germline): Pathogenic/Likely pathogenic. Review status: criteria provided, multiple submitters, no conflicts (2 of 4 stars). 3 submissions from 3 submitters: Pathogenic (1); Likely pathogenic (2). Last evaluated 2025-08-13.

Conditions:
Encephalopathy due to GLUT1 deficiency. Also called: GLUCOSE TRANSPORT DEFECT, BLOOD-BRAIN BARRIER; Glucose transporter protein syndrome; GLUT1 deficiency syndrome 1; De Vivo disease; GLUT1 deficiency syndrome 1, infantile onset, severe; Classic Glucose Transporter Type 1 Deficiency Syndrome. Identifiers: Orphanet 71277, MedGen C4551966, MONDO:0011724, OMIM 606777.
GLUT1 deficiency syndrome 1, autosomal recessive. Identifiers: MedGen C3149117.

Submissions (3):

GeneDx
Classification: Likely pathogenic. Last evaluated: 2025-08-13. Review status: criteria provided, single submitter. Criteria: GeneDx Variant Classification Process June 2021. Collection method: clinical testing. Allele origin: germline. Affected: yes.
Comment: Not observed at significant frequency in large population cohorts (gnomAD); In silico analysis supports that this missense variant has a deleterious effect on protein structure/function; This variant is associated with the following publications: (PMID: 20129935, 30588498, 34445196)

Molecular Medicine for Neurodegenerative and Neuromuscular Diseases Unit, IRCCS Fondazione Stella Maris
Classification: Pathogenic for Encephalopathy due to GLUT1 deficiency. Last evaluated: 2021-01-04. Review status: criteria provided, single submitter. Criteria: ACMG Guidelines, 2015. Collection method: research. Allele origin: de novo. Affected: yes.

Labcorp Genetics (formerly Invitae), Labcorp
Classification: Likely pathogenic for GLUT1 deficiency syndrome 1, autosomal recessive. Last evaluated: 2020-09-25. Review status: criteria provided, single submitter. Criteria: Invitae Variant Classification Sherloc (09022015). Collection method: clinical testing. Allele origin: germline.
Comment: This variant is not present in population databases (ExAC no frequency). In summary, the currently available evidence indicates that the variant is pathogenic, but additional data are needed to prove that conclusively. Therefore, this variant has been classified as Likely Pathogenic. This variant disrupts the p.Glu329 amino acid residue in SLC2A1. Other variant(s) that disrupt this residue have been determined to be pathogenic (PMID: 20129935, 23448551). This suggests that this residue is clinically significant, and that variants that disrupt this residue are likely to be disease-causing. Advanced modeling of protein sequence and biophysical properties (such as structural, functional, and spatial information, amino acid conservation, physicochemical variation, residue mobility, and thermodynamic stability) performed at Invitae indicates that this missense variant is expected to disrupt SLC2A1 protein function. This variant has not been reported in the literature in individuals with SLC2A1-related conditions. This sequence change replaces glutamic acid with lysine at codon 329 of the SLC2A1 protein (p.Glu329Lys). The glutamic acid residue is moderately conserved and there is a small physicochemical difference between glutamic acid and lysine.

Literature cited by the submitters: PubMed 20129935 (cited by Labcorp Genetics (formerly Invitae), Labcorp); PubMed 23448551 (cited by Labcorp Genetics (formerly Invitae), Labcorp).